The following is an entry in ClinVar:

ClinVar aggregate classification (germline): Likely pathogenic. Review status: criteria provided, single submitter (1 of 4 stars). 2 submissions from 2 submitters: Likely pathogenic (1). 1 of the submissions does not count toward it. Last evaluated 2026-01-30.

Conditions:
PEX12-related disorder. Also called: PEX12-related condition; PEX12-related disorders.
Peroxisome biogenesis disorder type 3B. Identifiers: Orphanet 44, Orphanet 772, MedGen C3550693, MONDO:0009959, OMIM 266510.
Peroxisome biogenesis disorder 3A (Zellweger). Also called: PEROXISOMAL BIOGENESIS DISORDER 3A (ZELLWEGER); Peroxisome biogenesis disorder 3A. Identifiers: Orphanet 912, MedGen C3553929, MONDO:0013927, OMIM 614859.

Allele frequency attached by ClinVar (database versions not stated): gnomAD exomes below 0.00001.

Submissions (2):

PreventionGenetics, part of Exact Sciences
Classification: Likely pathogenic for PEX12-related condition. Last evaluated: 2026-01-30. Review status: criteria provided, single submitter. Criteria: ACMG Guidelines, 2015. Collection method: clinical testing. Allele origin: germline.
Comment: The PEX12 c.978C>A variant is predicted to result in premature protein termination (p.Tyr326*). This variant resides in the final exon of this gene, and it is unclear if the resulting mRNA would undergo nonsense-mediated decay. To our knowledge, this variant has not been reported in the literature. This variant is reported in 0.00088% of alleles in individuals of European (Non-Finnish) descent in gnomAD. A downstream frameshift variant, c.987_988del (p.Phe330Serfs*23), has been reported in individuals with PEX12-related disorders (Farris et al. 2024. PubMed ID: 38773729; PreventionGenetics internal data). Nonsense variants in PEX12 are expected to be pathogenic. This variant is interpreted as likely pathogenic.

Counsyl
Classification: Likely pathogenic for Peroxisome biogenesis disorder type 3B; Peroxisome biogenesis disorder 3A (Zellweger). Last evaluated: 2017-06-05. Review status: no assertion criteria provided. Collection method: clinical testing. Allele origin: unknown. Not counted in ClinVar's aggregate classification.

Literature cited by the submitters: PubMed 10837480 (cited by Counsyl); PubMed 11370741 (cited by Counsyl); PubMed 10562279 (cited by Counsyl); PubMed 22471590 (cited by Counsyl).

NM_000286.3(PEX12):c.978C>A (p.Tyr326Ter)

Gene: PEX12 (peroxisomal biogenesis factor 12; minus strand). Cytogenetic location: 17q12.
Variant type: single nucleotide variant.
Coding change: c.978C>A on transcript NM_000286.3 (MANE Select); coding-DNA position 978, C replaced by A.
Protein change: p.Tyr326Ter; replaces tyrosine 326 with a stop codon.
Molecular consequence: nonsense.
Genome position (GRCh38, 1-based): chr17:35,575,884, G>T on the plus strand (C>A on the coding strand, the complement: PEX12 is on the minus strand). VCF-style: chr17-35575884-G-T. GRCh37 (hg19) VCF-style: chr17-33902903-G-T.
Other names: short protein forms Y326*.
Identifiers: ClinVar variation 552325 (VCV000552325.3), dbSNP rs941358133, ClinGen allele CA290068101.